The following is an entry in ClinVar:

NM_003105.6(SORL1):c.3705T>C (p.Cys1235=)

Gene: SORL1 (sortilin related receptor 1; plus strand). Cytogenetic location: 11q24.1.
Variant type: single nucleotide variant.
Coding change: c.3705T>C on transcript NM_003105.6 (MANE Select); coding-DNA position 3705, T replaced by C.
Protein change: p.Cys1235=; no amino-acid change (cysteine 1235 retained).
Molecular consequence: synonymous variant.
Genome position (GRCh38, 1-based): chr11:121,583,582, T>C. VCF-style: chr11-121583582-T-C. GRCh37 (hg19) VCF-style: chr11-121454291-T-C.
Identifiers: ClinVar variation 4703606 (VCV004703606.1).

ClinVar aggregate classification (germline): Uncertain significance (1 of 4 stars; one submission).

gnomAD v4.1: 5 of 1,605,442 alleles (0.00031%); highest among the groups gnomAD compares: East Asian, 0.0023%; no homozygotes.

Submission:

Labcorp Genetics (formerly Invitae), Labcorp
Classification: Uncertain significance. Last evaluated: 2025-11-01. Review status: criteria provided, single submitter. Criteria: Invitae Variant Classification Sherloc (09022015). Collection method: clinical testing. Allele origin: germline.
Comment: This sequence change affects codon 1235 of the SORL1 mRNA. It is a 'silent' change, meaning that it does not change the encoded amino acid sequence of the SORL1 protein. It affects a nucleotide within the consensus splice site. The frequency data for this variant in the population databases is considered unreliable, as metrics indicate poor data quality at this position in the gnomAD database. This variant has not been reported in the literature in individuals affected with SORL1-related conditions. Algorithms developed to predict the effect of sequence changes on RNA splicing suggest that this variant is not likely to affect RNA splicing. In summary, the available evidence is currently insufficient to determine the role of this variant in disease. Therefore, it has been classified as a Variant of Uncertain Significance.